The following is an entry in ClinVar:

NM_002439.5(MSH3):c.2356G>A (p.Val786Ile)

Gene: MSH3 (mutS homolog 3; plus strand). Cytogenetic location: 5q14.1.
Variant type: single nucleotide variant.
Coding change: c.2356G>A on transcript NM_002439.5 (MANE Select); coding-DNA position 2356, G replaced by A.
Protein change: p.Val786Ile; replaces valine 786 with isoleucine.
Molecular consequence: missense variant.
Genome position (GRCh38, 1-based): chr5:80,778,757, G>A. VCF-style: chr5-80778757-G-A. GRCh37 (hg19) VCF-style: chr5-80074576-G-A.
Other names: short protein forms V786I.
Identifiers: ClinVar variation 840753 (VCV000840753.14), dbSNP rs1744351269, ClinGen allele CA360281774.
Genomic context (GRCh38, chr5:80,778,757, plus strand): 5'-TTGTGTTCTTTCCCCTCTTCTAGCACAAAAGCTGTGAGCCGCTTTCACTCTCCTTTTATT[G>A]TAGAAAATTACAGACATCTGAATCAGCTCCGGGAGCAGCTAGTCCTTGACTGCAGTGCTG-3'
Protein context (NP_002430.3, residues 776-796): AVSRFHSPFI[Val786Ile]ENYRHLNQLR

ClinVar aggregate classification (germline): Uncertain significance. Review status: criteria provided, multiple submitters, no conflicts (2 of 4 stars). 3 submissions from 3 submitters: Uncertain significance (2). 1 of the submissions does not count toward it. Last evaluated 2025-10-02.

Conditions:
MSH3-related disorder. Also called: MSH3-related condition.
Hereditary cancer-predisposing syndrome. Also called: Neoplastic Syndromes, Hereditary; Tumor predisposition; Hereditary neoplastic syndrome; Hereditary Cancer Syndrome. Identifiers: Orphanet 140162, MedGen C0027672, MeSH D009386, MONDO:0015356.

Allele frequency attached by ClinVar (database versions not stated): gnomAD exomes below 0.00001; gnomAD 0.00001; TOPMed 0.00001.
gnomAD v4.1: 3 of 1,612,808 alleles (0.00019%); highest among the groups gnomAD compares: African/African-American, 0.004%; no homozygotes.

Submissions (3):

Ambry Genetics
Classification: Uncertain significance for Hereditary cancer-predisposing syndrome. Last evaluated: 2025-10-02. Review status: criteria provided, single submitter. Criteria: Ambry Variant Classification Scheme 2023. Collection method: clinical testing. Allele origin: germline.
Comment: The p.V786I variant (also known as c.2356G>A), located in coding exon 17 of the MSH3 gene, results from a G to A substitution at nucleotide position 2356. The valine at codon 786 is replaced by isoleucine, an amino acid with highly similar properties. This amino acid position is well conserved in available vertebrate species. In addition, this alteration is predicted to be tolerated by in silico analysis. Since supporting evidence is limited at this time, the clinical significance of this alteration remains unclear.

Labcorp Genetics (formerly Invitae), Labcorp
Classification: Uncertain significance. Last evaluated: 2025-04-17. Review status: criteria provided, single submitter. Criteria: Invitae Variant Classification Sherloc (09022015). Collection method: clinical testing. Allele origin: germline.
Comment: This sequence change replaces valine, which is neutral and non-polar, with isoleucine, which is neutral and non-polar, at codon 786 of the MSH3 protein (p.Val786Ile). This variant is not present in population databases (gnomAD no frequency). This variant has not been reported in the literature in individuals affected with MSH3-related conditions. ClinVar contains an entry for this variant (Variation ID: 840753). An algorithm developed to predict the effect of missense changes on protein structure and function (PolyPhen-2) suggests that this variant is likely to be tolerated. In summary, the available evidence is currently insufficient to determine the role of this variant in disease. Therefore, it has been classified as a Variant of Uncertain Significance.

PreventionGenetics, part of Exact Sciences
Classification: Uncertain significance for MSH3-related condition. Last evaluated: 2023-12-03. Review status: no assertion criteria provided. Collection method: clinical testing. Allele origin: germline. Not counted in ClinVar's aggregate classification.
Comment: The MSH3 c.2356G>A variant is predicted to result in the amino acid substitution p.Val786Ile. To our knowledge, this variant has not been reported in the literature or in a large population database, indicating this variant is rare. In ClinVar, this variant is interpreted as uncertain. At this time, the clinical significance of this variant is uncertain due to the absence of conclusive functional and genetic evidence.